The following is an entry in ClinVar:

NM_033400.3(ZFHX2):c.7394C>T (p.Pro2465Leu)

Genes: THTPA (thiamine triphosphatase; plus strand), ZFHX2 (zinc finger homeobox 2; minus strand). Cytogenetic location: 14q11.2.
Variant type: single nucleotide variant.
Coding change: c.7394C>T on transcript NM_033400.3 (MANE Select); coding-DNA position 7394, C replaced by T.
Protein change: p.Pro2465Leu; replaces proline 2465 with leucine.
Molecular consequence: missense variant.
Genome position (GRCh38, 1-based): chr14:23,522,287, G>A on the plus strand (C>T on the coding strand, the complement: ZFHX2 is on the minus strand). VCF-style: chr14-23522287-G-A. GRCh37 (hg19) VCF-style: chr14-23991496-G-A.
Other names: short protein forms P2465L.
Identifiers: ClinVar variation 786797 (VCV000786797.7), dbSNP rs61733356, ClinGen allele CA7116772.

ClinVar aggregate classification (germline): Benign/Likely benign. Review status: criteria provided, multiple submitters, no conflicts (2 of 4 stars). 4 submissions from 4 submitters: Benign (2); Likely benign (1). 1 of the submissions does not count toward it. Last evaluated 2024-11-13.

Conditions:
ZFHX2-related disorder. Also called: ZFHX2-related condition.

Allele frequency attached by ClinVar (database versions not stated): gnomAD exomes 0.00065 and 0.00133; ExAC 0.00143; gnomAD 0.00514 and 0.00544; TOPMed 0.00603; 1000 Genomes Project 0.00659; 1000 Genomes Project 30x 0.00718.
gnomAD v4.1: 1,701 of 1,503,916 alleles (0.11%); highest among the groups gnomAD compares: African/African-American, 1.9%; 20 homozygotes.

Submissions (4):

Blueprint Genetics
Classification: Likely benign. Last evaluated: 2024-11-13. Review status: criteria provided, single submitter. Criteria: ACMG Guidelines, 2015. Collection method: clinical testing. Allele origin: germline.

Labcorp Genetics (formerly Invitae), Labcorp
Classification: Benign. Last evaluated: 2018-06-21. Review status: criteria provided, single submitter. Criteria: Invitae Variant Classification Sherloc (09022015). Collection method: clinical testing. Allele origin: germline.

Breakthrough Genomics
Classification: Benign. Review status: criteria provided, single submitter. Criteria: ACMG Guidelines, 2015. Collection method: not provided. Allele origin: germline. Inheritance: Autosomal dominant inheritance. Affected: yes.

PreventionGenetics, part of Exact Sciences
Classification: Benign for ZFHX2-related condition. Last evaluated: 2019-08-12. Review status: no assertion criteria provided. Collection method: clinical testing. Allele origin: germline. Not counted in ClinVar's aggregate classification.
Comment: This variant is classified as benign based on ACMG/AMP sequence variant interpretation guidelines (Richards et al. 2015 PMID: 25741868, with internal and published modifications).